The following is an entry in ClinVar:

ClinVar aggregate classification (germline): Pathogenic. Review status: criteria provided, multiple submitters, no conflicts (2 of 4 stars). 6 submissions from 6 submitters: Pathogenic (5). 1 of the submissions does not count toward it. Last evaluated 2025-12-02.

Conditions:
Pili torti-deafness syndrome (BJS). Also called: PILI TORTI AND NERVE DEAFNESS; Bjornstad syndrome. Identifiers: Orphanet 123, MedGen C0266006, MONDO:0009872, OMIM 262000.
GRACILE syndrome (FLNMS). Also called: FELLMAN SYNDROME; FINNISH LETHAL NEONATAL METABOLIC SYNDROME. Identifiers: Orphanet 53693, MedGen C1864002, MONDO:0011308, OMIM 603358.

Allele frequency attached by ClinVar (database versions not stated): gnomAD 0.00001; gnomAD exomes 0.00001; ExAC 0.00002; TOPMed 0.00002.

Submissions (6):

Natera, Inc.
Classification: Pathogenic for GRACILE syndrome. Last evaluated: 2025-12-02. Review status: criteria provided, single submitter. Criteria: Natera Variant Classification Schema (03/2026). Collection method: clinical testing. Allele origin: germline.
Comment: The c.556C>T variant in BCS1L is a nonsense variant predicted to introduce a stop codon at amino acid 186. This variant is expected to result in nonsense mediated decay, truncation, or a dysfunctional protein product. This variant is rare in the general population with a frequency below the threshold expected for the associated phenotype(s). This variant has been observed in one or more individuals affected with the associated recessive disease, as either homozygous or compound heterozygous with a second variant (PMID: 25895478). Additionally, this variant has been observed to segregate in affected family members (PMID: 25895478). Given the available evidence, this variant is classified as Pathogenic.

Revvity Omics, Revvity
Classification: Pathogenic. Last evaluated: 2024-05-23. Review status: criteria provided, single submitter. Criteria: ACMG Guidelines, 2015. Collection method: clinical testing. Allele origin: germline.

Women's Health and Genetics/Laboratory Corporation of America, LabCorp
Classification: Pathogenic for Pili torti-deafness syndrome. Last evaluated: 2024-04-04. Review status: criteria provided, single submitter. Criteria: LabCorp Variant Classification Summary - May 2015. Collection method: clinical testing. Allele origin: germline.
Comment: Variant summary: BCS1L c.556C>T (p.Arg186X) results in a premature termination codon, predicted to cause a truncation of the encoded protein or absence of the protein due to nonsense mediated decay, which are commonly known mechanisms for disease. The variant allele was found at a frequency of 1.2e-05 in 251352 control chromosomes (gnomAD v2.1). The variant, c.556C>T, has been reported in the literature in two compound heterozygous individuals within the same family, who were affected with Bjornstad syndrome (Zhang_2015). These data indicate that the variant is likely associated with disease. To our knowledge, no experimental evidence demonstrating an impact on protein function has been reported. The following publication have been ascertained in the context of this evaluation (PMID: 19162478). ClinVar contains an entry for this variant (Variation ID: 371250). Based on the evidence outlined above, the variant was classified as pathogenic.

Labcorp Genetics (formerly Invitae), Labcorp
Classification: Pathogenic. Last evaluated: 2023-08-28. Review status: criteria provided, single submitter. Criteria: Invitae Variant Classification Sherloc (09022015). Collection method: clinical testing. Allele origin: germline.
Comment: This premature translational stop signal has been observed in individual(s) with Björnstad syndrome (PMID: 25895478). It has also been observed to segregate with disease in related individuals. ClinVar contains an entry for this variant (Variation ID: 371250). Algorithms developed to predict the effect of sequence changes on RNA splicing suggest that this variant may create or strengthen a splice site. For these reasons, this variant has been classified as Pathogenic. This variant is present in population databases (rs779331797, gnomAD 0.003%). This sequence change creates a premature translational stop signal (p.Arg186*) in the BCS1L gene. It is expected to result in an absent or disrupted protein product. Loss-of-function variants in BCS1L are known to be pathogenic (PMID: 12215968, 17314340, 19162478, 19508421, 22277166, 25895478).

Baylor Genetics
Classification: Pathogenic for Pili torti-deafness syndrome. Last evaluated: 2023-06-08. Review status: criteria provided, single submitter. Criteria: ACMG Guidelines, 2015. Collection method: clinical testing. Allele origin: unknown.

Counsyl
Classification: Likely pathogenic for GRACILE syndrome. Last evaluated: 2016-08-14. Review status: no assertion criteria provided. Collection method: clinical testing. Allele origin: unknown. Not counted in ClinVar's aggregate classification.

Literature cited by the submitters: PubMed 25895478 (cited by 3 submitters); PubMed 19162478 (cited by Women's Health and Genetics/Laboratory Corporation of America, LabCorp and Labcorp Genetics (formerly Invitae), Labcorp); PubMed 12215968 (cited by Labcorp Genetics (formerly Invitae), Labcorp); PubMed 17314340 (cited by Labcorp Genetics (formerly Invitae), Labcorp); PubMed 19508421 (cited by Labcorp Genetics (formerly Invitae), Labcorp); PubMed 22277166 (cited by Labcorp Genetics (formerly Invitae), Labcorp).

NM_001079866.2(BCS1L):c.556C>T (p.Arg186Ter)

Gene: BCS1L (BCS1 ubiquinol-cytochrome c reductase complex chaperone; plus strand). Cytogenetic location: 2q35.
Variant type: single nucleotide variant.
Coding change: c.556C>T on transcript NM_001079866.2 (MANE Select); coding-DNA position 556, C replaced by T.
Protein change: p.Arg186Ter; replaces arginine 186 with a stop codon.
Molecular consequence: nonsense. On other transcripts: non-coding transcript variant (1).
Genome position (GRCh38, 1-based): chr2:218,661,854, C>T. VCF-style: chr2-218661854-C-T. GRCh37 (hg19) VCF-style: chr2-219526577-C-T.
Other names: c.556C>T, p.Arg186Ter (NM_001257342.2, NM_001257343.2, NM_001257344.2 and 10 more transcripts); c.196C>T, p.Arg66Ter (NM_001318836.2, NM_001371451.1); c.55C>T, p.Arg19Ter (NM_001371452.1, NM_001371453.1, NM_001371454.1 and 3 more transcripts); short protein forms R186*, R66*, R19*.
Identifiers: ClinVar variation 371250 (VCV000371250.16), dbSNP rs779331797, ClinGen allele CA2109694.